The following is an entry in ClinVar:

NM_001206927.2(DNAH8):c.7620+15del

Gene: DNAH8 (dynein axonemal heavy chain 8; plus strand). Cytogenetic location: 6p21.2.
Variant type: Deletion.
Coding change: c.7620+15del on transcript NM_001206927.2 (MANE Select); 15 bases into the intron after coding-DNA position 7620, one base deleted (T; older notation c.7620+15delT).
Molecular consequence: intron variant.
Genome position (GRCh38, 1-based): chr6:38,873,391, T deleted; the last of 9 consecutive T bases (chr6:38,873,383-38,873,391); deleting any one gives the same sequence. VCF-style (leftmost placement, unchanged base first): chr6-38873382-AT-A. GRCh37 (hg19) VCF-style: chr6-38841158-AT-A.
Other names: p.=; c.6969+15del (NM_001371.4).
Identifiers: ClinVar variation 698665 (VCV000698665.12), dbSNP rs558170060, ClinGen allele CA3789965.

ClinVar aggregate classification (germline): Benign/Likely benign. Review status: criteria provided, multiple submitters, no conflicts (2 of 4 stars). 2 submissions from 2 submitters: Benign (1); Likely benign (1). Last evaluated 2025-10-20.

Conditions:
Primary ciliary dyskinesia. Also called: Ciliary dyskinesia. Identifiers: Orphanet 244, MedGen C0008780, MONDO:0016575, HP:0012265.

Submissions (2):

Labcorp Genetics (formerly Invitae), Labcorp
Classification: Benign for Primary ciliary dyskinesia. Last evaluated: 2025-10-20. Review status: criteria provided, single submitter. Criteria: Invitae Variant Classification Sherloc (09022015). Collection method: clinical testing. Allele origin: germline.

Mayo Clinic Laboratories, Mayo Clinic
Classification: Likely benign. Last evaluated: 2025-10-18. Review status: criteria provided, single submitter. Criteria: ACMG Guidelines, 2015. Collection method: clinical testing. Allele origin: germline. Observed: 1 variant allele.
Comment: BP4, BP7